The following is an entry in ClinVar:

NM_000038.6(APC):c.4766del (p.Arg1589fs)

Gene: APC (APC regulator of Wnt signaling pathway; plus strand). Cytogenetic location: 5q22.2.
Variant type: Deletion.
Coding change: c.4766del on transcript NM_000038.6 (MANE Select); coding-DNA position 4766, one base deleted (G; older notation c.4766delG).
Protein change: p.Arg1589fs; shifts the reading frame from arginine 1589.
Molecular consequence: frameshift variant.
Genome position (GRCh38, 1-based): chr5:112,840,360, G deleted. VCF-style (leftmost placement, unchanged base first): chr5-112840359-CG-C. GRCh37 (hg19) VCF-style: chr5-112176056-CG-C.
Other names: c.4766del, p.Arg1589fs (NM_001354895.2, NM_001127510.3); c.4820del, p.Arg1607fs (NM_001354896.2); c.4796del, p.Arg1599fs (NM_001354897.2); c.4691del, p.Arg1564fs (NM_001354898.2); c.4682del, p.Arg1561fs (NM_001354899.2); c.4643del, p.Arg1548fs (NM_001354900.2); c.4589del, p.Arg1530fs (NM_001354901.2); c.4493del, p.Arg1498fs (NM_001354902.2); and 5 more; short protein forms R1488fs, R1548fs, R1306fs, R1589fs, R1599fs, R1498fs, R1561fs, R1564fs.
Identifiers: ClinVar variation 1387907 (VCV001387907.8), dbSNP rs2149923245, ClinGen allele CA2573138709.

ClinVar aggregate classification (germline): Pathogenic (1 of 4 stars; one submission).

Conditions:
Familial adenomatous polyposis 1 (FAP1). Also called: FAMILIAL ADENOMATOUS POLYPOSIS 1, ATTENUATED; POLYPOSIS, ADENOMATOUS INTESTINAL. Identifiers: MedGen C2713442, MONDO:0021056, OMIM 175100. Disease mechanism: loss of function.

Submission:

Labcorp Genetics (formerly Invitae), Labcorp
Classification: Pathogenic for Familial adenomatous polyposis 1. Last evaluated: 2021-03-26. Review status: criteria provided, single submitter. Criteria: Invitae Variant Classification Sherloc (09022015). Collection method: clinical testing. Allele origin: germline.
Comment: For these reasons, this variant has been classified as Pathogenic. This sequence change creates a premature translational stop signal (p.Arg1589Leufs*61) in the APC gene. While this is not anticipated to result in nonsense mediated decay, it is expected to disrupt the last 1255 amino acid(s) of the APC protein. This variant is not present in population databases (ExAC no frequency). This variant has not been reported in the literature in individuals with APC-related conditions. This variant is expected to disrupt the EB1 and HDLG binding sites, which mediate interactions with the cytoskeleton (PMID: 15311282, 17293347). While functional studies have not been performed to directly test the effect on APC protein function, this suggests that disruption of the C-terminal portion of the protein is functionally important. A different truncation (p.Tyr2645Lysfs*14) that lies downstream of this variant has been determined to be pathogenic (PMID: 9824584, 1316610, 27081525, 8381579, 22135120, Invitae). This suggests that deletion of this region of the APC protein is causative of disease.

Literature cited by the submitters: PubMed 15311282; PubMed 17293347; PubMed 9824584; PubMed 1316610; PubMed 27081525; PubMed 8381579; PubMed 22135120.